The following is an entry in ClinVar:

NM_001034850.3(RETREG1):c.38_64dup (p.Glu21_Gln22insArgCysProAlaProAlaAlaGluGlu)

Genes: RETREG1 (reticulophagy regulator 1; minus strand), RETREG1-AS1 (RETREG1 antisense RNA 1; plus strand), LOC129993734 (ATAC-STARR-seq lymphoblastoid silent region 15947; plus strand). Cytogenetic location: 5p15.1.
Variant type: Duplication.
Coding change: c.38_64dup on transcript NM_001034850.3 (MANE Select); coding-DNA positions 38 to 64, 27 bases duplicated (GATGCCCGGCTCCTGCCGCCGAGGAGC).
Protein change: p.Glu21_Gln22insArgCysProAlaProAlaAlaGluGlu.
Molecular consequence: inframe insertion.
Genome position (GRCh38, 1-based): chr5:16,616,908-16,616,934, GCTCCTCGGCGGCAGGAGCCGGGCATC duplicated on the plus strand (GATGCCCGGCTCCTGCCGCCGAGGAGC on the coding strand, the reverse complement: RETREG1 is on the minus strand). VCF-style (leftmost placement, unchanged base first): chr5-16616907-T-TGCTCCTCGGCGGCAGGAGCCGGGCATC. GRCh37 (hg19) VCF-style: chr5-16617016-T-TGCTCCTCGGCGGCAGGAGCCGGGCATC.
Identifiers: ClinVar variation 1020595 (VCV001020595.6), dbSNP rs1743535497, ClinGen allele CA1529744710.

ClinVar aggregate classification (germline): Uncertain significance (1 of 4 stars; one submission).

Allele frequency attached by ClinVar (database versions not stated): gnomAD exomes below 0.00001.

Submission:

Labcorp Genetics (formerly Invitae), Labcorp
Classification: Uncertain significance. Last evaluated: 2021-08-28. Review status: criteria provided, single submitter. Criteria: Invitae Variant Classification Sherloc (09022015). Collection method: clinical testing. Allele origin: germline.
Comment: This variant, c.38_64dup, results in the insertion of 9 amino acid(s) to the RETREG1 protein (p.Glu21_Gln22insArgCysProAlaProAlaAlaGluGlu), but otherwise preserves the integrity of the reading frame. The frequency data for this variant in the population databases is considered unreliable, as metrics indicate insufficient coverage at this position in the ExAC database. This variant has not been reported in the literature in individuals affected with RETREG1-related conditions. Experimental studies and prediction algorithms are not available or were not evaluated, and the functional significance of this variant is currently unknown. In summary, the available evidence is currently insufficient to determine the role of this variant in disease. Therefore, it has been classified as a Variant of Uncertain Significance.